The following is an entry in ClinVar:

NM_001367873.1(SOX6):c.2203A>C (p.Ile735Leu)

Gene: SOX6 (SRY-box transcription factor 6; minus strand). Cytogenetic location: 11p15.2.
Variant type: single nucleotide variant.
Coding change: c.2203A>C on transcript NM_001367873.1 (MANE Select); coding-DNA position 2203, A replaced by C.
Protein change: p.Ile735Leu; replaces isoleucine 735 with leucine.
Molecular consequence: missense variant.
Genome position (GRCh38, 1-based): chr11:15,973,093, T>G on the plus strand (A>C on the coding strand, the complement: SOX6 is on the minus strand). VCF-style: chr11-15973093-T-G. GRCh37 (hg19) VCF-style: chr11-15994639-T-G.
Other names: c.2122A>C, p.Ile708Leu (NM_001145811.2, NM_017508.3); c.2203A>C, p.Ile735Leu (NM_001145819.2); c.2080A>C, p.Ile694Leu (NM_001367872.1); c.2143A>C, p.Ile715Leu (NM_033326.3); short protein forms I694L, I708L, I715L, I735L.
Identifiers: ClinVar variation 3893353 (VCV003893353.1).

ClinVar aggregate classification (germline): Uncertain significance (1 of 4 stars; one submission).

Submission:

GeneDx
Classification: Uncertain significance. Last evaluated: 2024-10-23. Review status: criteria provided, single submitter. Criteria: GeneDx Variant Classification Process June 2021. Collection method: clinical testing. Allele origin: germline. Affected: yes.
Comment: Not observed at significant frequency in large population cohorts (gnomAD); In silico analysis indicates that this missense variant does not alter protein structure/function; Has not been previously published as pathogenic or benign to our knowledge